The following is an entry in ClinVar:

ClinVar aggregate classification (germline): Pathogenic/Likely pathogenic. Review status: criteria provided, multiple submitters, no conflicts (2 of 4 stars). 2 submissions from 2 submitters: Pathogenic (1); Likely pathogenic (1). Last evaluated 2024-10-21.

Conditions:
Long QT syndrome 15 (LQT15). Identifiers: Orphanet 101016, Orphanet 768, MedGen C4015695, MONDO:0014550, OMIM 616249.
Long QT syndrome 1 (LQT1). Identifiers: Orphanet 101016, Orphanet 768, MedGen C4551647, MONDO:0100316, OMIM 192500, MONDO:0008646.

Submissions (2):

Petrovsky National Research Centre of Surgery, The Federal Agency for Scientific Organizations
Classification: Likely pathogenic for Long QT syndrome 15. Last evaluated: 2024-10-21. Review status: criteria provided, single submitter. Criteria: ACMG Guidelines, 2015. Collection method: clinical testing. Allele origin: germline. Inheritance: Autosomal dominant inheritance. Affected: yes. Observed: 1 heterozygote.
Comment: This variant is not present in gnomAD database v2.1.1 and v4.1.0. ClinVar contains an entry for this variant (Accession: VCV000641544.9). Multiple computational resources predict deleterious effect of p.Asp96Tyr genetic variant. Variants that disrupt the p.Asp96 amino acid residue in CALM2 have been observed in affected individuals (PMID: 23388215, 31170290). We assume that the c.286G>T (p.Asp96Tyr) variant could be classified as Likely Pathogenic.

Labcorp Genetics (formerly Invitae), Labcorp
Classification: Pathogenic for Long QT syndrome 1. Last evaluated: 2020-06-22. Review status: criteria provided, single submitter. Criteria: Invitae Variant Classification Sherloc (09022015). Collection method: clinical testing. Allele origin: germline.
Comment: For these reasons, this variant has been classified as Pathogenic. This sequence change replaces aspartic acid with tyrosine at codon 96 of the CALM2 protein (p.Asp96Tyr). The aspartic acid residue is highly conserved and there is a large physicochemical difference between aspartic acid and tyrosine. Variants that disrupt the p.Asp96 amino acid residue in CALM2 have been observed in affected individuals (PMID: 23388215). This suggests that it is a clinically significant residue, and that other variants that disrupt this residue are likely to be causative of disease. Algorithms developed to predict the effect of sequence changes on RNA splicing suggest that this variant may disrupt the consensus splice site, but this prediction has not been confirmed by published transcriptional studies. Algorithms developed to predict the effect of missense changes on protein structure and function (SIFT, PolyPhen-2, Align-GVGD) all suggest that this variant is likely to be disruptive, but these predictions have not been confirmed by published functional studies and their clinical significance is uncertain. This variant has been observed in individual(s) with clinical features of long QT syndrome (Invitae). In at least one individual the variant was observed to be de novo. This variant is not present in population databases (ExAC no frequency).

Literature cited by the submitters: PubMed 23388215 (cited by Labcorp Genetics (formerly Invitae), Labcorp).

NM_001743.6(CALM2):c.286G>T (p.Asp96Tyr)

Gene: CALM2 (calmodulin 2; minus strand). Cytogenetic location: 2p21.
Variant type: single nucleotide variant.
Coding change: c.286G>T on transcript NM_001743.6 (MANE Select); coding-DNA position 286, G replaced by T.
Protein change: p.Asp96Tyr; replaces aspartic acid 96 with tyrosine.
Molecular consequence: missense variant.
Genome position (GRCh38, 1-based): chr2:47,161,858, C>A on the plus strand (G>T on the coding strand, the complement: CALM2 is on the minus strand). VCF-style: chr2-47161858-C-A. GRCh37 (hg19) VCF-style: chr2-47388997-C-A.
Other names: p.Asp96Tyr; c.430G>T, p.Asp144Tyr (NM_001305624.1); c.178G>T, p.Asp60Tyr (NM_001305625.2, NM_001305626.1); short protein forms D144Y, D60Y, D96Y.
Identifiers: ClinVar variation 641544 (VCV000641544.12), dbSNP rs1573214371, ClinGen allele CA346719304.
Genomic context (GRCh38, chr2:47,161,858, plus strand): 5'-TCTCTCCAAGGTTTGTCATCACATGGCGAAGTTCTGCAGCACTAATATAGCCATTGCCAT[C>A]CTAGCAAAAAATTTAGTATAGTTTCTGAGTCAAATTACAGACTTGAGAGTTGGAATGGAA-3'
Protein context (NP_001734.1, residues 86-106): IREAFRVFDK[Asp96Tyr]GNGYISAAEL